The following is an entry in ClinVar:

NM_000256.3(MYBPC3):c.2510_2513del (p.Ile837fs)

Gene: MYBPC3 (myosin binding protein C3; minus strand). Cytogenetic location: 11p11.2.
Variant type: Deletion.
Coding change: c.2510_2513del on transcript NM_000256.3 (MANE Select); coding-DNA positions 2510 to 2513, 4 bases deleted (TCGA; older notation c.2510_2513delTCGA).
Protein change: p.Ile837fs; shifts the reading frame from isoleucine 837.
Molecular consequence: frameshift variant.
Genome position (GRCh38, 1-based): chr11:47,337,480-47,337,483, TCGA deleted on the plus strand (TCGA on the coding strand, the reverse complement: MYBPC3 is on the minus strand); deleting any 4 consecutive bases within chr11:47,337,480-47,337,485 gives the same sequence; the c. name uses the placement nearest the transcript's 3' end. VCF-style (leftmost placement, unchanged base first): chr11-47337479-CTCGA-C. GRCh37 (hg19) VCF-style: chr11-47359030-CTCGA-C.
Other names: c.2510_2513delTCGA (NM_000256.3); short protein forms I837fs.
Identifiers: ClinVar variation 859341 (VCV000859341.8), dbSNP rs2095883508, ClinGen allele CA916081640.

ClinVar aggregate classification (germline): Pathogenic. Review status: criteria provided, multiple submitters, no conflicts (2 of 4 stars). 2 submissions from 2 submitters: Pathogenic (2). Last evaluated 2026-08-14.

Conditions:
Cardiovascular phenotype. Identifiers: MedGen CN230736.
Hypertrophic cardiomyopathy. Also called: HYPERTROPHIC MYOCARDIOPATHY. Identifiers: Orphanet 217569, MedGen C0007194, MeSH D002312, MONDO:0005045, HP:0001639.

Submissions (2):

Ambry Genetics
Classification: Pathogenic for Cardiovascular phenotype. Last evaluated: 2026-08-14. Review status: criteria provided, single submitter. Criteria: Ambry Variant Classification Scheme 2023. Collection method: clinical testing. Allele origin: germline.
Comment: The c.2510_2513delTCGA pathogenic mutation, located in coding exon 25 of the MYBPC3 gene, results from a deletion of 4 nucleotides at nucleotide positions 2510 to 2513, causing a translational frameshift with a predicted alternate stop codon (p.I837Rfs*41). This variant was reported in individual(s) with features consistent with hypertrophic cardiomyopathy (Gal DB et al. Pediatr Cardiol, 2022 Mar;43:616-623; Ambry internal data). This variant is considered to be rare based on population cohorts in the Genome Aggregation Database (gnomAD). This alteration is expected to result in loss of function by premature protein truncation or nonsense-mediated mRNA decay. As such, this alteration is interpreted as a disease-causing mutation.

Labcorp Genetics (formerly Invitae), Labcorp
Classification: Pathogenic for Hypertrophic cardiomyopathy. Last evaluated: 2025-10-10. Review status: criteria provided, single submitter. Criteria: Invitae Variant Classification Sherloc (09022015). Collection method: clinical testing. Allele origin: germline.
Comment: This sequence change creates a premature translational stop signal (p.Ile837Argfs*41) in the MYBPC3 gene. It is expected to result in an absent or disrupted protein product. Loss-of-function variants in MYBPC3 are known to be pathogenic (PMID: 19574547). This variant is not present in population databases (gnomAD no frequency). This variant has not been reported in the literature in individuals affected with MYBPC3-related conditions. ClinVar contains an entry for this variant (Variation ID: 859341). For these reasons, this variant has been classified as Pathogenic.

Literature cited by the submitters: PubMed 34714385 (cited by Ambry Genetics); PubMed 19574547 (cited by Labcorp Genetics (formerly Invitae), Labcorp).